The following is an entry in ClinVar:

NM_001904.4(CTNNB1):c.38_43dup (p.Met14_Glu15insAlaMet)

Genes: CTNNB1 (catenin beta 1; plus strand), LOC126806658 (BRD4-independent group 4 enhancer GRCh37_chr3:41265899-41267098; plus strand). Cytogenetic location: 3p22.1.
Variant type: Duplication.
Coding change: c.38_43dup on transcript NM_001904.4 (MANE Select); coding-DNA positions 38 to 43, 6 bases duplicated (CCATGG; older notation c.38_43dupCCATGG).
Protein change: p.Met14_Glu15insAlaMet.
Molecular consequence: inframe insertion.
Genome position (GRCh38, 1-based): chr3:41,224,550-41,224,555, CCATGG duplicated; duplicating any 6 consecutive bases within chr3:41,224,545-41,224,555 gives the same sequence; the c. name uses the placement nearest the transcript's 3' end. VCF-style (leftmost placement, unchanged base first): chr3-41224544-A-ACATGGC. GRCh37 (hg19) VCF-style: chr3-41266035-A-ACATGGC.
Other names: c.38_43dup, p.Met14_Glu15insAlaMet (NM_001098209.2, NM_001098210.2, NM_001438871.1 and 4 more transcripts); c.17_22dup, p.Met7_Glu8insAlaMet (NM_001330729.2).
Identifiers: ClinVar variation 4884090 (VCV004884090.2).

ClinVar aggregate classification (germline): Uncertain significance (1 of 4 stars; one submission).

Submission:

Dasa
Classification: Uncertain significance. Last evaluated: 2025-01-09. Review status: criteria provided, single submitter. Criteria: DASA Assertion Criteria. Collection method: clinical testing. Allele origin: germline.
Comment: NM_001904.4(CTNNB1):c.38_43dup (p.Ala13_Met14dup) is an in-frame duplication predicted to duplicate amino acids from alanine at protein position 13 through methionine at protein position 14 without shifting the reading frame. This variant is absent from population databases. The currently available literature and clinical evidence are not sufficient to establish a definitive association between this variant and the reported condition. Therefore, this variant is classified as a variant of uncertain significance.